The following is an entry in ClinVar:

NM_001844.5(COL2A1):c.970-2A>T

Gene: COL2A1 (collagen type II alpha 1 chain; minus strand). Cytogenetic location: 12q13.11.
Variant type: single nucleotide variant.
Coding change: c.970-2A>T on transcript NM_001844.5 (MANE Select); the canonical splice acceptor site of the intron before coding-DNA position 970, A replaced by T.
Molecular consequence: splice acceptor variant.
Genome position (GRCh38, 1-based): chr12:47,992,933, T>A on the plus strand (A>T on the coding strand, the complement: COL2A1 is on the minus strand). VCF-style: chr12-47992933-T-A. GRCh37 (hg19) VCF-style: chr12-48386716-T-A.
Other names: c.763-2A>T (NM_033150.3).
Identifiers: ClinVar variation 3382704 (VCV003382704.2).

ClinVar aggregate classification (germline): Pathogenic (1 of 4 stars; one submission).

Conditions:
Kniest dysplasia. Identifiers: Orphanet 485, MedGen C0265279, MONDO:0007987, OMIM 156550.

Submission:

Juno Genomics, Hangzhou Juno Genomics, Inc
Classification: Pathogenic for Kniest dysplasia. Review status: criteria provided, single submitter. Criteria: ACMG Guidelines, 2015. Collection method: clinical testing. Allele origin: germline. Affected: yes.
Comment: Absent from controls (or at extremely low frequency if recessive) in Genome Aggregation Database, Exome Sequencing Project, 1000 Genomes Project, or Exome Aggregation Consortium.;Null variant in a gene where loss of function (LOF) is a known mechanism of disease.;De novo (both maternity and paternity confirmed) in a patient with the disease and no family history.